The following is an entry in ClinVar:

ClinVar aggregate classification (germline): Likely benign (1 of 4 stars; one submission).

Conditions:
Long QT syndrome (LQTS). Identifiers: MedGen C0023976, MeSH D008133, MONDO:0002442. Disease mechanism: loss of function. Inheritance: Various modes of inheritance.

Submissions (2):

Labcorp Genetics (formerly Invitae), Labcorp
Classification: Likely benign for Long QT syndrome. Last evaluated: 2023-09-08. Review status: criteria provided, single submitter. Criteria: Invitae Variant Classification Sherloc (09022015). Collection method: clinical testing. Allele origin: germline.

Roden Lab, Vanderbilt University Medical Center
No classification provided (evidence only). Condition: Long QT syndrome 5. Review status: no classification provided. Collection method: in vitro. Allele origin: not applicable. Functional consequence: Effect on ion channel function. Not counted in ClinVar's aggregate classification.
ClinVar note: "not provided" was previously submitted as the classification for the variant. However, the classification appeared to be based only on an observation of functional data so it was converted to no classification on 2025-07-30.

NM_000219.6(KCNE1):c.294G>T (p.Arg98=)

Gene: KCNE1 (potassium voltage-gated channel subfamily E regulatory subunit 1; minus strand). Cytogenetic location: 21q22.12.
Variant type: single nucleotide variant.
Coding change: c.294G>T on transcript NM_000219.6 (MANE Select); coding-DNA position 294, G replaced by T.
Protein change: p.Arg98=; no amino-acid change (arginine 98 retained).
Molecular consequence: synonymous variant.
Genome position (GRCh38, 1-based): chr21:34,449,341, C>A on the plus strand (G>T on the coding strand, the complement: KCNE1 is on the minus strand). VCF-style: chr21-34449341-C-A. GRCh37 (hg19) VCF-style: chr21-35821639-C-A.
Other names: c.294G>T, p.Arg98= (NM_001127668.4, NM_001127669.4, NM_001127670.4 and 4 more transcripts).
Identifiers: ClinVar variation 2758768 (VCV002758768.5), dbSNP rs2516762719, ClinGen allele CA2697547480.